The following is an entry in ClinVar:

ClinVar aggregate classification (germline): Uncertain significance (1 of 4 stars; one submission).

gnomAD v4.1: 1 of 1,211,922 alleles (0.000083%); highest among the groups gnomAD compares: Non-Finnish European, 0.00011%; no homozygotes.

Submission:

Labcorp Genetics (formerly Invitae), Labcorp
Classification: Uncertain significance. Last evaluated: 2025-01-18. Review status: criteria provided, single submitter. Criteria: Invitae Variant Classification Sherloc (09022015). Collection method: clinical testing. Allele origin: germline.
Comment: This sequence change falls in intron 44 of the COL4A6 gene. It does not directly change the encoded amino acid sequence of the COL4A6 protein. It affects a nucleotide within the consensus splice site. This variant is not present in population databases (gnomAD no frequency). This variant has not been reported in the literature in individuals affected with COL4A6-related conditions. Variants that disrupt the consensus splice site are a relatively common cause of aberrant splicing (PMID: 17576681, 9536098). Algorithms developed to predict the effect of sequence changes on RNA splicing suggest that this variant may disrupt the consensus splice site. In summary, the available evidence is currently insufficient to determine the role of this variant in disease. Therefore, it has been classified as a Variant of Uncertain Significance.

Literature cited by the submitters: PubMed 17576681; PubMed 9536098.

NM_033641.4(COL4A6):c.4812+5G>A

Gene: COL4A6 (collagen type IV alpha 6 chain; minus strand). Cytogenetic location: Xq22.3.
Variant type: single nucleotide variant.
Coding change: c.4812+5G>A on transcript NM_033641.4 (MANE Select); 5 bases into the intron after coding-DNA position 4812, G replaced by A.
Molecular consequence: intron variant.
Genome position (GRCh38, 1-based): chrX:108,159,457, C>T on the plus strand (G>A on the coding strand, the complement: COL4A6 is on the minus strand). VCF-style: chrX-108159457-C-T. GRCh37 (hg19) VCF-style: chrX-107402687-C-T.
Other names: c.4815+5G>A (NM_001847.4); c.4641+5G>A (NM_001287760.2); c.4740+5G>A (NM_001287759.2); c.4863+5G>A (NM_001287758.2).
Identifiers: ClinVar variation 3666445 (VCV003666445.2).
Genomic context (GRCh38, chrX:108,159,457, plus strand): 5'-GCCTGGGAACCAGTCCAAGGGGCCCTTTGCCTCCAACTGGGGGAGGAGACAGTGCAGGAC[C>T]TTACCATGAGGAAAGAGTACCCAATCCAGAGGCTGCGCCAGCCCAGGGGGCACTGCGGGA-3'